The following is an entry in ClinVar:

ClinVar aggregate classification (germline): Conflicting classifications of pathogenicity. Review status: criteria provided, conflicting classifications (1 of 4 stars). 2 submissions from 2 submitters: Uncertain significance (1); Likely benign (1). Last evaluated 2026-08-01.

gnomAD v4.1: 211 of 764,554 alleles (0.028%); highest among the groups gnomAD compares: Admixed American, 0.044%; 1 homozygote.

Submissions (2):

CeGaT Center for Human Genetics Tuebingen
Classification: Likely benign. Last evaluated: 2026-08-01. Review status: criteria provided, single submitter. Criteria: CeGaT Center For Human Genetics Tuebingen Variant Classification Criteria Version 2. Collection method: clinical testing. Allele origin: germline. Affected: yes. Observed: 1 variant allele.
Comment: SNORD118: BS2

Labcorp Genetics (formerly Invitae), Labcorp
Classification: Uncertain significance. Last evaluated: 2023-12-26. Review status: criteria provided, single submitter. Criteria: Invitae Variant Classification Sherloc (09022015). Collection method: clinical testing. Allele origin: germline.
Comment: This variant occurs in the SNORD118 gene, which encodes an RNA molecule that does not result in a protein product. This variant is present in population databases (rs181334320, gnomAD 0.04%). This variant has not been reported in the literature in individuals affected with SNORD118-related conditions. ClinVar contains an entry for this variant (Variation ID: 1475704). Experimental studies and prediction algorithms are not available or were not evaluated, and the functional significance of this variant is currently unknown. In summary, the available evidence is currently insufficient to determine the role of this variant in disease. Therefore, it has been classified as a Variant of Uncertain Significance.

NR_033294.2(SNORD118):n.116C>G

Genes: SNORD118 (small nucleolar RNA, C/D box 118; minus strand), TMEM107 (transmembrane protein 107; minus strand). Cytogenetic location: 17p13.1.
Variant type: single nucleotide variant.
Molecular consequence: non-coding transcript variant (on NR_033294.2). On other transcripts: 3 prime UTR variant (5).
Genome position: GRCh38 VCF-style: chr17-8173473-G-C. GRCh37 (hg19) VCF-style: chr17-8076791-G-C.
Other names: c.*730C>G (NM_001351278.2, NM_001351279.2, NM_001351280.2 and 2 more transcripts).
Identifiers: ClinVar variation 1475704 (VCV001475704.5), dbSNP rs181334320, ClinGen allele CA8370595.